The following is an entry in ClinVar:

ClinVar aggregate classification (germline): Pathogenic. Review status: criteria provided, multiple submitters, no conflicts (2 of 4 stars). 3 submissions from 3 submitters: Pathogenic (2). 1 of the submissions does not count toward it. Last evaluated 2022-10-03.

Conditions:
Intellectual developmental disorder, autosomal dominant 6, with or without seizures. Also called: Intellectual disability, autosomal dominant 6; GRIN2B-related developmental delay, intellectual disability and autism spectrum disorder. Identifiers: Orphanet 589547, MedGen C3151411, MONDO:0013509, OMIM 613970.
Developmental and epileptic encephalopathy, 27 (DEE27). Also called: Epileptic encephalopathy, early infantile, 27; GRIN2B-Related Neurodevelopmental Disorder. Identifiers: Orphanet 3451, MedGen C4015316, MONDO:0014505, OMIM 616139.

Submissions (3):

Labcorp Genetics (formerly Invitae), Labcorp
Classification: Pathogenic for Developmental and epileptic encephalopathy, 27; Intellectual developmental disorder, autosomal dominant 6, with or without seizures. Last evaluated: 2022-10-03. Review status: criteria provided, single submitter. Criteria: Invitae Variant Classification Sherloc (09022015). Collection method: clinical testing. Allele origin: germline.
Comment: For these reasons, this variant has been classified as Pathogenic. Advanced modeling of protein sequence and biophysical properties (such as structural, functional, and spatial information, amino acid conservation, physicochemical variation, residue mobility, and thermodynamic stability) performed at Invitae indicates that this missense variant is expected to disrupt GRIN2B protein function. ClinVar contains an entry for this variant (Variation ID: 1164046). This missense change has been observed in individual(s) with clinical features of GRIN2B-related conditions (PMID: 30151416). In at least one individual the variant was observed to be de novo. This variant is not present in population databases (gnomAD no frequency). This sequence change replaces leucine, which is neutral and non-polar, with proline, which is neutral and non-polar, at codon 643 of the GRIN2B protein (p.Leu643Pro).

GeneDx
Classification: Pathogenic. Last evaluated: 2022-09-21. Review status: criteria provided, single submitter. Criteria: GeneDx Variant Classification Process June 2021. Collection method: clinical testing. Allele origin: germline. Affected: yes.
Comment: In silico analysis supports that this missense variant has a deleterious effect on protein structure/function; Not observed at significant frequency in large population cohorts (gnomAD); This variant is associated with the following publications: (PMID: 30151416, 27839871)

Pediatric Genetics Clinic, Sheba Medical Center
Classification: Likely pathogenic for Intellectual developmental disorder, autosomal dominant 6, with or without seizures. Last evaluated: 2021-05-13. Review status: no assertion criteria provided. Collection method: clinical testing. Allele origin: de novo. Affected: yes. Observed: 1 heterozygote. Not counted in ClinVar's aggregate classification.

Literature cited by the submitters: PubMed 30151416 (cited by Labcorp Genetics (formerly Invitae), Labcorp).

NM_000834.5(GRIN2B):c.1928T>C (p.Leu643Pro)

Gene: GRIN2B (glutamate ionotropic receptor NMDA type subunit 2B; minus strand). Cytogenetic location: 12p13.1.
Variant type: single nucleotide variant.
Coding change: c.1928T>C on transcript NM_000834.5 (MANE Select); coding-DNA position 1928, T replaced by C.
Protein change: p.Leu643Pro; replaces leucine 643 with proline.
Molecular consequence: missense variant.
Genome position (GRCh38, 1-based): chr12:13,608,685, A>G on the plus strand (T>C on the coding strand, the complement: GRIN2B is on the minus strand). VCF-style: chr12-13608685-A-G. GRCh37 (hg19) VCF-style: chr12-13761619-A-G.
Other names: c.1928T>C (NM_000834.3); short protein forms L643P.
Identifiers: ClinVar variation 1164046 (VCV001164046.7), dbSNP rs2136470302, ClinGen allele CA384051020.